The following is an entry in ClinVar:

ClinVar aggregate classification (germline): Uncertain significance (1 of 4 stars; one submission).

Allele frequency attached by ClinVar (database versions not stated): gnomAD exomes 0.00001.
gnomAD v4.1: 11 of 1,613,368 alleles (0.00068%); highest among the groups gnomAD compares: Non-Finnish European, 0.00093%; no homozygotes.

Submission:

Labcorp Genetics (formerly Invitae), Labcorp
Classification: Uncertain significance. Last evaluated: 2022-04-06. Review status: criteria provided, single submitter. Criteria: Invitae Variant Classification Sherloc (09022015). Collection method: clinical testing. Allele origin: germline.
Comment: In summary, the available evidence is currently insufficient to determine the role of this variant in disease. Therefore, it has been classified as a Variant of Uncertain Significance. Experimental studies and prediction algorithms are not available or were not evaluated, and the functional significance of this variant is currently unknown. This variant has not been reported in the literature in individuals affected with ARMC9-related conditions. This variant is not present in population databases (gnomAD no frequency). This sequence change replaces aspartic acid, which is acidic and polar, with asparagine, which is neutral and polar, at codon 587 of the ARMC9 protein (p.Asp587Asn).

NM_001352754.2(ARMC9):c.1759G>A (p.Asp587Asn)

Gene: ARMC9 (armadillo repeat containing 9; plus strand). Cytogenetic location: 2q37.1.
Variant type: single nucleotide variant.
Coding change: c.1759G>A on transcript NM_001352754.2 (MANE Select); coding-DNA position 1759, G replaced by A.
Protein change: p.Asp587Asn; replaces aspartic acid 587 with asparagine.
Molecular consequence: missense variant. On other transcripts: non-coding transcript variant (1).
Genome position (GRCh38, 1-based): chr2:231,296,239, G>A. VCF-style: chr2-231296239-G-A. GRCh37 (hg19) VCF-style: chr2-232160952-G-A.
Other names: c.1759G>A, p.Asp587Asn (NM_001271466.4, NM_001291656.2, NM_001352755.2 and 3 more transcripts); c.1660G>A, p.Asp554Asn (NM_001352757.2, NM_001352758.2); short protein forms D554N, D587N.
Identifiers: ClinVar variation 2122050 (VCV002122050.4), dbSNP rs2469852356, ClinGen allele CA350957963.